The following is an entry in ClinVar:

NM_152564.5(VPS13B):c.8023A>G (p.Arg2675Gly)

Gene: VPS13B (vacuolar protein sorting 13 homolog B; plus strand). Cytogenetic location: 8q22.2.
Variant type: single nucleotide variant.
Coding change: c.8023A>G on transcript NM_152564.5 (MANE Select); coding-DNA position 8023, A replaced by G.
Protein change: p.Arg2675Gly; replaces arginine 2675 with glycine.
Molecular consequence: missense variant.
Genome position (GRCh38, 1-based): chr8:99,809,456, A>G. VCF-style: chr8-99809456-A-G. GRCh37 (hg19) VCF-style: chr8-100821684-A-G.
Other names: c.8023A>G (NM_152564.4); c.8098A>G (NM_017890.3); c.8098A>G, p.Arg2700Gly (NM_017890.5); short protein forms R2675G, R2700G.
Identifiers: ClinVar variation 1010698 (VCV001010698.11), dbSNP rs770879393, ClinGen allele CA4824367.
Genomic context (GRCh38, chr8:99,809,456, plus strand): 5'-GGTTGGGGCAACTGGCGTTGGTCAGAGCCTTTCAGTGTGGACCATGCCGGGACTTTTATT[A>G]GAACAATTCAGTACAGGGGTCGAACTGCTTCTCTCATCATCAAGGTTCAGCAACTCAATG-3'
Protein context (NP_689777.3, residues 2665-2685): FSVDHAGTFI[Arg2675Gly]TIQYRGRTAS

ClinVar aggregate classification (germline): Uncertain significance. Review status: criteria provided, multiple submitters, no conflicts (2 of 4 stars). 4 submissions from 4 submitters: Uncertain significance (2). 2 of the submissions do not count toward it. Last evaluated 2022-03-05.

Conditions:
Inborn genetic diseases. Identifiers: MedGen C0950123, MeSH D030342.
Cohen syndrome (COH1). Also called: PEPPER SYNDROME; Cutis verticis gyrata, retinitis pigmentosa, and sensorineural deafness. Identifiers: Orphanet 193, MedGen C0265223, MONDO:0008999, OMIM 216550.
VPS13B-related disorder. Also called: VPS13B-related condition.

Allele frequency attached by ClinVar (database versions not stated): TOPMed below 0.00001; ExAC 0.00001; gnomAD 0.00001; gnomAD exomes 0.00001 and 0.00002.
gnomAD v4.1: 32 of 1,613,970 alleles (0.002%); highest among the groups gnomAD compares: Non-Finnish European, 0.0027%; no homozygotes.

Submissions (4):

Labcorp Genetics (formerly Invitae), Labcorp
Classification: Uncertain significance for Cohen syndrome. Last evaluated: 2022-03-05. Review status: criteria provided, single submitter. Criteria: Invitae Variant Classification Sherloc (09022015). Collection method: clinical testing. Allele origin: germline.
Comment: This sequence change replaces arginine, which is basic and polar, with glycine, which is neutral and non-polar, at codon 2700 of the VPS13B protein (p.Arg2700Gly). This variant is present in population databases (rs770879393, gnomAD 0.002%). This variant has not been reported in the literature in individuals affected with VPS13B-related conditions. ClinVar contains an entry for this variant (Variation ID: 1010698). Algorithms developed to predict the effect of missense changes on protein structure and function are either unavailable or do not agree on the potential impact of this missense change (SIFT: "Not Available"; PolyPhen-2: "Benign"; Align-GVGD: "Not Available"). In summary, the available evidence is currently insufficient to determine the role of this variant in disease. Therefore, it has been classified as a Variant of Uncertain Significance.

Ambry Genetics
Classification: Uncertain significance for Inborn genetic diseases. Last evaluated: 2017-12-18. Review status: criteria provided, single submitter. Criteria: Ambry Variant Classification Scheme 2023. Collection method: clinical testing. Allele origin: germline.
Comment: The p.R2700G variant (also known as c.8098A>G), located in coding exon 43 of the VPS13B gene, results from an A to G substitution at nucleotide position 8098. The arginine at codon 2700 is replaced by glycine, an amino acid with dissimilar properties. This amino acid position is highly conserved in available vertebrate species. In addition, this alteration is predicted to be deleterious by in silico analysis. Since supporting evidence is limited at this time, the clinical significance of this alteration remains unclear.

PreventionGenetics, part of Exact Sciences
Classification: Uncertain significance for VPS13B-related condition. Last evaluated: 2024-02-15. Review status: no assertion criteria provided. Collection method: clinical testing. Allele origin: germline. Not counted in ClinVar's aggregate classification.
Comment: The VPS13B c.8023A>G variant is predicted to result in the amino acid substitution p.Arg2675Gly. To our knowledge, this variant has not been reported in the literature. This variant is reported in 0.0018% of alleles in individuals of European (Non-Finnish) descent in gnomAD. At this time, the clinical significance of this variant is uncertain due to the absence of conclusive functional and genetic evidence.

Natera, Inc.
Classification: Uncertain significance for Cohen syndrome. Last evaluated: 2020-01-20. Review status: no assertion criteria provided. Collection method: clinical testing. Allele origin: germline. Not counted in ClinVar's aggregate classification.